The following is an entry in ClinVar:

NM_000545.8(HNF1A):c.506A>G (p.Lys169Arg)

Gene: HNF1A (HNF1 homeobox A; plus strand). Cytogenetic location: 12q24.31.
Variant type: single nucleotide variant.
Coding change: c.506A>G on transcript NM_000545.8 (MANE Select); coding-DNA position 506, A replaced by G.
Protein change: p.Lys169Arg; replaces lysine 169 with arginine.
Molecular consequence: missense variant.
Genome position (GRCh38, 1-based): chr12:120,989,012, A>G. VCF-style: chr12-120989012-A-G. GRCh37 (hg19) VCF-style: chr12-121426815-A-G.
Other names: NM_001306179.2:c.506A>G; c.506A>G, p.Lys169Arg (NM_001406915.1, NM_001306179.2); short protein forms K169R.
Identifiers: ClinVar variation 2629699 (VCV002629699.2), dbSNP rs2499987963, ClinGen allele CA386960667.
Genomic context (GRCh38, chr12:120,989,012, plus strand): 5'-ACAAGGGCACTCCCATGAAGACGCAGAAGCGGGCCGCCCTGTACACCTGGTACGTCCGCA[A>G]GCAGCGAGAGGTGGCGCAGCGTAAGTAATGACCCTACCCCGCATCTTCCCTGGGAGGGCC-3'
Protein context (NP_000536.6, residues 159-179): RAALYTWYVR[Lys169Arg]QREVAQQFTH

ClinVar aggregate classification (germline): Uncertain significance. Review status: reviewed by expert panel (3 of 4 stars). 2 submissions from 2 submitters: Uncertain significance (1). 1 of the submissions does not count toward it. Last evaluated 2026-06-11.

Conditions:
Monogenic diabetes. Identifiers: Orphanet 183625, MedGen C3888631, MONDO:0015967.
HNF1A-related disorder. Also called: HNF1A-related condition.

Submissions (2):

ClinGen Monogenic Diabetes Variant Curation Expert Panel
Classification: Uncertain significance for Monogenic diabetes. Last evaluated: 2026-06-11. Review status: reviewed by expert panel. Criteria: ClinGen Diabetes ACMG Specifications HNF1A V3.1.0. Collection method: curation. Allele origin: germline. Inheritance: Autosomal dominant inheritance.
Comment: The c.506A>G variant in the HNF1 homeobox A gene, HNF1A, causes an amino acid change of lysine to arginine at codon 169 (p.(Lys169Arg)) of NM_000545.8. This variant is absent from gnomAD v4.1.0 (PM2_Supporting). This variant is predicted to be deleterious by computational evidence, with a REVEL score of 0.926, which is greater than the MDEP VCEP threshold of 0.70 (PP3). This variant is located within a conserved region of the DNA binding domain (codons 107-174 and 201-280) of HNF1A, which is defined as critical for the protein’s function by the ClinGen MDEP (PM1_Supporting). In summary, c.506A>G meets the criteria to be classified as a variant of uncertain significance for monogenic diabetes. ACMG/AMP criteria applied, as specified by the ClinGen MDEP (specification version 3.1.0, approved 10/10/2025): PM1_Supporting, PM2_Supporting, PP3.

PreventionGenetics, part of Exact Sciences
Classification: Uncertain significance for HNF1A-related condition. Last evaluated: 2023-01-10. Review status: criteria provided, single submitter. Criteria: ACMG Guidelines, 2015. Collection method: clinical testing. Allele origin: germline. Not counted in ClinVar's aggregate classification.
Comment: The HNF1A c.506A>G variant is predicted to result in the amino acid substitution p.Lys169Arg. To our knowledge, this variant has not been reported in the literature or in a large population database, indicating this variant is rare. At this time, the clinical significance of this variant is uncertain due to the absence of conclusive functional and genetic evidence.